The following is an entry in ClinVar:

ClinVar aggregate classification (germline): Likely pathogenic (1 of 4 stars; one submission).

Conditions:
Mucopolysaccharidosis, MPS-II (MPS2). Also called: Hunter Syndrome; IDURONATE 2-SULFATASE DEFICIENCY; Mucopolysaccharidosis Type II; Mucopolysaccharidosis type 2; Attenuated MPS (subtype; formerly known as mild MPS II); Severe MPS II. Identifiers: Orphanet 580, Orphanet 79388, MedGen C0026705, MONDO:0010674, OMIM 309900.

Submission:

Laboratory of Diagnosis and Therapy of Lysosomal Disorders, University of Padova
Classification: Likely pathogenic for Mucopolysaccharidosis, MPS-II. Last evaluated: 2024-06-07. Review status: criteria provided, single submitter. Criteria: ACMG Guidelines, 2015. Collection method: literature only. Allele origin: germline. Affected: yes. Observed: 1 variant allele.
Comment: Absent from controls (or at low frequency) in gnomAD database (PM2_Moderate), Missense variant in a gene with a low rate of benign missense variation (PP2_Supporting), Multiple lines of computational evidence support a deleterious effect (PP3_Supporting), Patient’s phenotype or family history highly specific for the disease (PP4_Strong)

Classification method: ACMG Guidelines [PMID:25741868] with modifications

Literature cited by the submitters: PubMed 36945845.

NM_000202.8(IDS):c.682C>T (p.Pro228Ser)

Genes: IDS (iduronate 2-sulfatase; minus strand), LOC106050102 (IDS recombination region; plus strand). Cytogenetic location: Xq28.
Variant type: single nucleotide variant.
Coding change: c.682C>T on transcript NM_000202.8 (MANE Select); coding-DNA position 682, C replaced by T.
Protein change: p.Pro228Ser; replaces proline 228 with serine.
Molecular consequence: missense variant. On other transcripts: non-coding transcript variant (1).
Genome position (GRCh38, 1-based): chrX:149,498,133, G>A on the plus strand (C>T on the coding strand, the complement: IDS is on the minus strand). VCF-style: chrX-149498133-G-A. GRCh37 (hg19) VCF-style: chrX-148579664-G-A.
Other names: c.412C>T, p.Pro138Ser (NM_001166550.4); c.682C>T, p.Pro228Ser (NM_006123.5); short protein forms P138S, P228S.
Identifiers: ClinVar variation 3255801 (VCV003255801.2).